The following is an entry in ClinVar:

ClinVar aggregate classification (germline): Benign/Likely benign. Review status: criteria provided, multiple submitters, no conflicts (2 of 4 stars). 8 submissions from 8 submitters: Benign (5); Likely benign (1). 2 of the submissions do not count toward it. Last evaluated 2026-05-09.

Conditions:
Deficiency of iodide peroxidase (TDH2A). Also called: HYPOTHYROIDISM, CONGENITAL, DUE TO DYSHORMONOGENESIS, 2A; IODIDE PEROXIDASE DEFICIENCY; THYROID HORMONOGENESIS, GENETIC DEFECT IN, 2A; THYROID PEROXIDASE DEFICIENCY; Thyroid dyshormonogenesis 2A. Identifiers: Orphanet 95716, MedGen C1291299, MONDO:0010133, OMIM 274500.

Allele frequency attached by ClinVar (database versions not stated): 1000 Genomes Project 0.35903; TOPMed 0.35956; gnomAD 0.35994 and 0.36083; ExAC 0.36304; gnomAD exomes 0.36758; ESP Exome Variant Server 0.35053; 1000 Genomes Project 30x 0.35806.
gnomAD v4.1: 590,683 of 1,613,066 alleles (37%); highest among the groups gnomAD compares: East Asian, 45%; 108,884 homozygotes.

Submissions (8):

Women's Health and Genetics/Laboratory Corporation of America, LabCorp
Classification: Benign. Last evaluated: 2026-05-09. Review status: criteria provided, single submitter. Criteria: LabCorp Variant Classification Summary - May 2015. Collection method: clinical testing. Allele origin: germline.

Labcorp Genetics (formerly Invitae), Labcorp
Classification: Benign. Last evaluated: 2026-02-04. Review status: criteria provided, single submitter. Criteria: Invitae Variant Classification Sherloc (09022015). Collection method: clinical testing. Allele origin: germline.

Blueprint Genetics
Classification: Likely benign. Last evaluated: 2024-11-26. Review status: criteria provided, single submitter. Criteria: ACMG Guidelines, 2015. Collection method: clinical testing. Allele origin: germline.

Illumina Laboratory Services, Illumina
Classification: Benign for Deficiency of iodide peroxidase. Last evaluated: 2018-01-12. Review status: criteria provided, single submitter. Criteria: ICSL Variant Classification Criteria 13 December 2019. Collection method: clinical testing. Allele origin: germline.
Comment: This variant was observed in the ICSL laboratory as part of a predisposition screen in an ostensibly healthy population. It had not been previously curated by ICSL or reported in the Human Gene Mutation Database (HGMD: prior to June 1st, 2018), and was therefore a candidate for classification through an automated scoring system. Utilizing variant allele frequency, disease prevalence and penetrance estimates, and inheritance mode, an automated score was calculated to assess if this variant is too frequent to cause the disease. Based on the score and internal cut-off values, a variant classified as benign is not then subjected to further curation. The score for this variant resulted in a classification of benign for this disease.

Breakthrough Genomics
Classification: Benign. Review status: criteria provided, single submitter. Criteria: ACMG Guidelines, 2015. Collection method: not provided. Allele origin: germline. Inheritance: Autosomal recessive inheritance. Affected: yes.

PreventionGenetics, part of Exact Sciences
Classification: Benign. Review status: criteria provided, single submitter. Criteria: ACMG Guidelines, 2015. Collection method: clinical testing. Allele origin: germline.

Clinical Genetics, Academic Medical Center
Classification: Benign. Review status: no assertion criteria provided. Collection method: clinical testing. Allele origin: germline. Affected: yes. Study: VKGL Data-share Consensus. Not counted in ClinVar's aggregate classification.

Diagnostic Laboratory, Department of Genetics, University Medical Center Groningen
Classification: Benign for Deficiency of iodide peroxidase. Review status: no assertion criteria provided. Collection method: clinical testing. Allele origin: germline. Affected: yes. Study: VKGL Data-share Consensus. Not counted in ClinVar's aggregate classification.

NM_001206744.2(TPO):c.1998C>T (p.Asp666=)

Genes: LALTOP (lung cancer associated lncRNA targeting TOP2A; minus strand), TPO (thyroid peroxidase; plus strand). Cytogenetic location: 2p25.3.
Variant type: single nucleotide variant.
Coding change: c.1998C>T on transcript NM_001206744.2 (MANE Select); coding-DNA position 1998, C replaced by T.
Protein change: p.Asp666=; no amino-acid change (aspartic acid 666 retained).
Molecular consequence: synonymous variant.
Genome position (GRCh38, 1-based): chr2:1,494,031, C>T. VCF-style: chr2-1494031-C-T. GRCh37 (hg19) VCF-style: chr2-1497803-C-T.
Other names: c.1998C>T, p.Asp666= (NM_000547.6, NM_175721.3); c.1827C>T, p.Asp609= (NM_001206745.2, NM_175719.4); c.1479C>T, p.Asp493= (NM_175722.3).
Identifiers: ClinVar variation 256608 (VCV000256608.14), dbSNP rs1126797, ClinGen allele CA1511906.